The following is an entry in ClinVar:

ClinVar aggregate classification (germline): Uncertain significance (1 of 4 stars; one submission).

Conditions:
Perry syndrome. Also called: PARKINSONISM WITH ALVEOLAR HYPOVENTILATION AND MENTAL DEPRESSION. Identifiers: Orphanet 178509, MedGen C1868594, MONDO:0008201, OMIM 168605.
Amyotrophic lateral sclerosis type 1 (ALS1). Also called: AMYOTROPHIC LATERAL SCLEROSIS 1, FAMILIAL. Identifiers: Orphanet 803, MedGen C1862939, MONDO:0007103, OMIM 105400.
Neuronopathy, distal hereditary motor, type 7B. Also called: NEURONOPATHY, DISTAL HEREDITARY MOTOR, AUTOSOMAL DOMINANT 14; NEURONOPATHY, DISTAL HEREDITARY MOTOR, HARDING TYPE VIIB; NEUROPATHY, DISTAL HEREDITARY MOTOR, HARDING TYPE VIIB; NEUROPATHY, DISTAL HEREDITARY MOTOR, WITH VOCAL CORD PARALYSIS, HARDING TYPE VIIB; HMN VIIB; LOWER MOTOR NEURON DISEASE, DYNACTIN TYPE. Identifiers: Orphanet 139589, MedGen C1843315, MONDO:0011879, OMIM 607641.

Allele frequency attached by ClinVar (database versions not stated): gnomAD exomes below 0.00001; TOPMed below 0.00001; gnomAD 0.00001.

Submission:

Labcorp Genetics (formerly Invitae), Labcorp
Classification: Uncertain significance for Amyotrophic lateral sclerosis type 1; Neuronopathy, distal hereditary motor, type 7B; Perry syndrome. Last evaluated: 2023-12-21. Review status: criteria provided, single submitter. Criteria: Invitae Variant Classification Sherloc (09022015). Collection method: clinical testing. Allele origin: germline.
Comment: This sequence change replaces arginine, which is basic and polar, with histidine, which is basic and polar, at codon 154 of the DCTN1 protein (p.Arg154His). The frequency data for this variant in the population databases is considered unreliable, as metrics indicate poor data quality at this position in the gnomAD database. This missense change has been observed in individual(s) with amyotrophic lateral sclerosis (PMID: 26742954). ClinVar contains an entry for this variant (Variation ID: 1047370). Advanced modeling of protein sequence and biophysical properties (such as structural, functional, and spatial information, amino acid conservation, physicochemical variation, residue mobility, and thermodynamic stability) performed at Invitae indicates that this missense variant is not expected to disrupt DCTN1 protein function with a negative predictive value of 80%. In summary, the available evidence is currently insufficient to determine the role of this variant in disease. Therefore, it has been classified as a Variant of Uncertain Significance.

Literature cited by the submitters: PubMed 26742954.

NM_004082.5(DCTN1):c.461G>A (p.Arg154His)

Gene: DCTN1 (dynactin subunit 1; minus strand). Cytogenetic location: 2p13.1.
Variant type: single nucleotide variant.
Coding change: c.461G>A on transcript NM_004082.5 (MANE Select); coding-DNA position 461, G replaced by A.
Protein change: p.Arg154His; replaces arginine 154 with histidine.
Molecular consequence: missense variant. On other transcripts: non-coding transcript variant (1).
Genome position (GRCh38, 1-based): chr2:74,371,721, C>T on the plus strand (G>A on the coding strand, the complement: DCTN1 is on the minus strand). VCF-style: chr2-74371721-C-T. GRCh37 (hg19) VCF-style: chr2-74598848-C-T.
Other names: c.401G>A, p.Arg134His (NM_001135040.3); c.59G>A, p.Arg20His (NM_001135041.3, NM_023019.4); c.350G>A, p.Arg117His (NM_001190836.2); c.440G>A, p.Arg147His (NM_001190837.2); c.410G>A, p.Arg137His (NM_001378991.1); c.392G>A, p.Arg131His (NM_001378992.1); short protein forms R117H, R131H, R137H, R147H, R20H, R134H, R154H.
Identifiers: ClinVar variation 1047370 (VCV001047370.9), dbSNP rs1398619239, ClinGen allele CA347368155.